The following is an entry in ClinVar:

ClinVar aggregate classification (germline): Likely pathogenic (1 of 4 stars; one submission).

Submission:

Labcorp Genetics (formerly Invitae), Labcorp
Classification: Likely pathogenic. Last evaluated: 2024-01-12. Review status: criteria provided, single submitter. Criteria: Invitae Variant Classification Sherloc (09022015). Collection method: clinical testing. Allele origin: germline.
Comment: This sequence change affects an acceptor splice site in intron 9 of the SLC4A11 gene. It is expected to disrupt RNA splicing. Variants that disrupt the donor or acceptor splice site typically lead to a loss of protein function (PMID: 16199547), and loss-of-function variants in SLC4A11 are known to be pathogenic (PMID: 17220209, 17679935). This variant is not present in population databases (gnomAD no frequency). This variant has not been reported in the literature in individuals affected with SLC4A11-related conditions. ClinVar contains an entry for this variant (Variation ID: 936747). Algorithms developed to predict the effect of sequence changes on RNA splicing suggest that this variant may disrupt the consensus splice site. In summary, the currently available evidence indicates that the variant is pathogenic, but additional data are needed to prove that conclusively. Therefore, this variant has been classified as Likely Pathogenic.

Literature cited by the submitters: PubMed 16199547; PubMed 17220209; PubMed 17679935.

NM_001174089.2(SLC4A11):c.1169-2A>G

Gene: SLC4A11 (solute carrier family 4 member 11; minus strand). Cytogenetic location: 20p13.
Variant type: single nucleotide variant.
Coding change: c.1169-2A>G on transcript NM_001174089.2 (MANE Select); the canonical splice acceptor site of the intron before coding-DNA position 1169, A replaced by G.
Molecular consequence: splice acceptor variant. On other transcripts: intron variant (2).
Genome position (GRCh38, 1-based): chr20:3,230,847, T>C on the plus strand (A>G on the coding strand, the complement: SLC4A11 is on the minus strand). VCF-style: chr20-3230847-T-C. GRCh37 (hg19) VCF-style: chr20-3211493-T-C.
Other names: c.1112-2A>G (NM_001400277.1, NM_001400278.1, NM_001400279.1); c.1168+86A>G (NM_001363745.2); c.1297+86A>G (NM_001400280.1); c.1298-2A>G (NM_001174090.2); c.1217-2A>G (NM_032034.4).
Identifiers: ClinVar variation 936747 (VCV000936747.8), dbSNP rs2067739784, ClinGen allele CA408089076.
Genomic context (GRCh38, chr20:3,230,847, plus strand): 5'-AGAGAAGAGCGCGTAGAGCAGGCCCCCGATGCTCTGCCCGGCTATGGTCTTCTGCACGTC[T>C]GTGGGGGTGCGGAGGTCAGGTGGGCGCCGCAGCCCAGGGCCCAGCCCAGCATACCCCCAC-3'